The following is an entry in ClinVar:

ClinVar aggregate classification (germline): Likely pathogenic (1 of 4 stars; one submission).

Conditions:
Autosomal recessive nonsyndromic hearing loss 124. Also called: DEAFNESS, AUTOSOMAL RECESSIVE 124. Identifiers: MedGen C5935612, MONDO:0968981, OMIM 620794.

gnomAD v4.1: 552 of 1,587,672 alleles (0.035%); highest among the groups gnomAD compares: African/African-American, 0.64%; 3 homozygotes.

Submission:

First Genomix Gene Laboratory, Genetic Diagnostics Department
Classification: Likely pathogenic for Autosomal recessive nonsyndromic hearing loss 124. Last evaluated: 2025-09-19. Review status: criteria provided, single submitter. Criteria: ACMG Guidelines, 2015. Collection method: clinical testing. Allele origin: germline. Inheritance: Autosomal recessive inheritance. Affected: no. Observed: 1 variant allele.

NM_177531.6(PKHD1L1):c.3761-1G>A

Gene: PKHD1L1 (PKHD1 like 1; plus strand). Cytogenetic location: 8q23.1.
Variant type: single nucleotide variant.
Coding change: c.3761-1G>A on transcript NM_177531.6 (MANE Select); the canonical splice acceptor site of the intron before coding-DNA position 3761, G replaced by A.
Molecular consequence: splice acceptor variant.
Genome position (GRCh38, 1-based): chr8:109,438,896, G>A. VCF-style: chr8-109438896-G-A. GRCh37 (hg19) VCF-style: chr8-110451125-G-A.
Identifiers: ClinVar variation 4850376 (VCV004850376.1).